The following is an entry in ClinVar:

ClinVar aggregate classification (germline): Conflicting classifications of pathogenicity. Review status: criteria provided, conflicting classifications (1 of 4 stars). 2 submissions from 2 submitters: Uncertain significance (1); Likely benign (1). Last evaluated 2025-02-24.

Conditions:
Cardiovascular phenotype. Identifiers: MedGen CN230736.
Dilated cardiomyopathy 1DD (CMD1DD). Identifiers: Orphanet 154, MedGen C2750995, MONDO:0013168, OMIM 613172.

Allele frequency attached by ClinVar (database versions not stated): gnomAD exomes below 0.00001.
gnomAD v4.1: 5 of 1,551,570 alleles (0.00032%); highest among the groups gnomAD compares: Admixed American, 0.0078%; no homozygotes.

Submissions (2):

Ambry Genetics
Classification: Likely benign for Cardiovascular phenotype. Last evaluated: 2025-02-24. Review status: criteria provided, single submitter. Criteria: Ambry Variant Classification Scheme 2023. Collection method: clinical testing. Allele origin: germline.

Labcorp Genetics (formerly Invitae), Labcorp
Classification: Uncertain significance for Dilated cardiomyopathy 1DD. Last evaluated: 2022-05-18. Review status: criteria provided, single submitter. Criteria: Invitae Variant Classification Sherloc (09022015). Collection method: clinical testing. Allele origin: germline.
Comment: This sequence change replaces alanine, which is neutral and non-polar, with glycine, which is neutral and non-polar, at codon 682 of the RBM20 protein (p.Ala682Gly). This variant is not present in population databases (gnomAD no frequency). This variant has not been reported in the literature in individuals affected with RBM20-related conditions. Advanced modeling of protein sequence and biophysical properties (such as structural, functional, and spatial information, amino acid conservation, physicochemical variation, residue mobility, and thermodynamic stability) performed at Invitae indicates that this missense variant is not expected to disrupt RBM20 protein function. In summary, the available evidence is currently insufficient to determine the role of this variant in disease. Therefore, it has been classified as a Variant of Uncertain Significance.

NM_001134363.3(RBM20):c.2045C>G (p.Ala682Gly)

Gene: RBM20 (RNA binding motif protein 20; plus strand). Cytogenetic location: 10q25.2.
Variant type: single nucleotide variant.
Coding change: c.2045C>G on transcript NM_001134363.3 (MANE Select); coding-DNA position 2045, C replaced by G.
Protein change: p.Ala682Gly; replaces alanine 682 with glycine.
Molecular consequence: missense variant.
Genome position (GRCh38, 1-based): chr10:110,812,442, C>G. VCF-style: chr10-110812442-C-G. GRCh37 (hg19) VCF-style: chr10-112572200-C-G.
Other names: short protein forms A682G.
Identifiers: ClinVar variation 2052010 (VCV002052010.4), dbSNP rs1844781627, ClinGen allele CA378371121.
Genomic context (GRCh38, chr10:110,812,442, plus strand): 5'-CGGGCCCCTCCCGGGCTGACTGGGGCAATGGCCGGGACTCCTGGGAGCACTCTCCCTATG[C>G]CAGGAGGGAGGAAGAGCGAGACCCGGCTCCCTGGAGGGACAACGGAGATGACAAGAGGGA-3'
Protein context (NP_001127835.2, residues 672-692): GRDSWEHSPY[Ala682Gly]RREEERDPAP